The following is an entry in ClinVar:

NM_001042492.3(NF1):c.3530C>A (p.Ala1177Asp)

Gene: NF1 (neurofibromin 1; plus strand). Cytogenetic location: 17q11.2.
Variant type: single nucleotide variant.
Coding change: c.3530C>A on transcript NM_001042492.3 (MANE Select); coding-DNA position 3530, C replaced by A.
Protein change: p.Ala1177Asp; replaces alanine 1177 with aspartic acid.
Molecular consequence: missense variant.
Genome position (GRCh38, 1-based): chr17:31,233,035, C>A. VCF-style: chr17-31233035-C-A. GRCh37 (hg19) VCF-style: chr17-29560053-C-A.
Other names: c.3530C>A, p.Ala1177Asp (NM_000267.4); short protein forms A1177D.
Identifiers: ClinVar variation 1732362 (VCV001732362.2), dbSNP rs1597719920, ClinGen allele CA398989839.

ClinVar aggregate classification (germline): Uncertain significance (1 of 4 stars; one submission).

Conditions:
Hereditary cancer-predisposing syndrome. Also called: Neoplastic Syndromes, Hereditary; Tumor predisposition; Hereditary Cancer Syndrome; Hereditary neoplastic syndrome. Identifiers: Orphanet 140162, MedGen C0027672, MeSH D009386, MONDO:0015356.
Cardiovascular phenotype. Identifiers: MedGen CN230736.

Submission:

Ambry Genetics
Classification: Uncertain significance for Cardiovascular phenotype; Hereditary cancer-predisposing syndrome. Last evaluated: 2022-04-05. Review status: criteria provided, single submitter. Criteria: Ambry Variant Classification Scheme 2023. Collection method: clinical testing. Allele origin: germline.
Comment: The p.A1177D variant (also known as c.3530C>A), located in coding exon 27 of the NF1 gene, results from a C to A substitution at nucleotide position 3530. The alanine at codon 1177 is replaced by aspartic acid, an amino acid with dissimilar properties. This amino acid position is conserved. In addition, this alteration is predicted to be deleterious by in silico analysis. Since supporting evidence is limited at this time, the clinical significance of this alteration remains unclear.